The following is an entry in ClinVar:

NM_025144.4(ALPK1):c.3488A>G (p.His1163Arg)

Gene: ALPK1 (alpha kinase 1; plus strand). Cytogenetic location: 4q25.
Variant type: single nucleotide variant.
Coding change: c.3488A>G on transcript NM_025144.4 (MANE Select); coding-DNA position 3488, A replaced by G.
Protein change: p.His1163Arg; replaces histidine 1163 with arginine.
Molecular consequence: missense variant.
Genome position (GRCh38, 1-based): chr4:112,439,822, A>G. VCF-style: chr4-112439822-A-G. GRCh37 (hg19) VCF-style: chr4-113360978-A-G.
Other names: c.3488A>G, p.His1163Arg (NM_001102406.2); c.3254A>G, p.His1085Arg (NM_001253884.2); short protein forms H1163R, H1085R.
Identifiers: ClinVar variation 2301598 (VCV002301598.6), dbSNP rs1301061165, ClinGen allele CA357909735.

ClinVar aggregate classification (germline): Uncertain significance. Review status: criteria provided, multiple submitters, no conflicts (2 of 4 stars). 3 submissions from 3 submitters: Uncertain significance (3). Last evaluated 2025-11-24.

Conditions:
Inborn genetic diseases. Identifiers: MedGen C0950123, MeSH D030342.

Allele frequency attached by ClinVar (database versions not stated): TOPMed below 0.00001; gnomAD 0.00001.
gnomAD v4.1: 2 of 1,610,892 alleles (0.00012%); highest among the groups gnomAD compares: African/African-American, 0.0027%; no homozygotes.

Submissions (3):

Labcorp Genetics (formerly Invitae), Labcorp
Classification: Uncertain significance. Last evaluated: 2025-11-24. Review status: criteria provided, single submitter. Criteria: Invitae Variant Classification Sherloc (09022015). Collection method: clinical testing. Allele origin: germline.
Comment: This sequence change replaces histidine, which is basic and polar, with arginine, which is basic and polar, at codon 1163 of the ALPK1 protein (p.His1163Arg). This variant is present in population databases (no rsID available, gnomAD 0.007%). This variant has not been reported in the literature in individuals affected with ALPK1-related conditions. ClinVar contains an entry for this variant (Variation ID: 2301598). An algorithm developed to predict the effect of missense changes on protein structure and function (PolyPhen-2) suggests that this variant is likely to be disruptive. In summary, the available evidence is currently insufficient to determine the role of this variant in disease. Therefore, it has been classified as a Variant of Uncertain Significance.

Ambry Genetics
Classification: Uncertain significance for Inborn genetic diseases. Last evaluated: 2022-07-13. Review status: criteria provided, single submitter. Criteria: Ambry Variant Classification Scheme 2023. Collection method: clinical testing. Allele origin: germline.

Blueprint Genetics
Classification: Uncertain significance. Last evaluated: 2019-11-14. Review status: criteria provided, single submitter. Criteria: ACMG Guidelines, 2015. Collection method: clinical testing. Allele origin: germline.